The following is an entry in ClinVar:

ClinVar aggregate classification (germline): Benign/Likely benign. Review status: criteria provided, multiple submitters, no conflicts (2 of 4 stars). 3 submissions from 3 submitters: Benign (1); Likely benign (2). Last evaluated 2026-05-29.

Conditions:
RP2-related disorder. Also called: RP2-related condition.

Allele frequency attached by ClinVar (database versions not stated): gnomAD exomes 0.00002 and 0.00004; ExAC 0.00005; gnomAD 0.00009 and 0.00011; ESP Exome Variant Server 0.00019; TOPMed 0.00014.
gnomAD v4.1: 33 of 1,208,544 alleles (0.0027%); highest among the groups gnomAD compares: African/African-American, 0.054%; no homozygotes.

Submissions (3):

PreventionGenetics, part of Exact Sciences
Classification: Likely benign for RP2-related condition. Last evaluated: 2026-05-29. Review status: criteria provided, single submitter. Criteria: ACMG Guidelines, 2015. Collection method: clinical testing. Allele origin: germline.
Comment: This variant is classified as likely benign based on ACMG/AMP sequence variant interpretation guidelines (Richards et al. 2015 PMID: 25741868, with internal and published modifications).

Labcorp Genetics (formerly Invitae), Labcorp
Classification: Benign. Last evaluated: 2025-11-08. Review status: criteria provided, single submitter. Criteria: Invitae Variant Classification Sherloc (09022015). Collection method: clinical testing. Allele origin: germline.

Blueprint Genetics
Classification: Likely benign. Last evaluated: 2023-12-14. Review status: criteria provided, single submitter. Criteria: ACMG Guidelines, 2015. Collection method: clinical testing. Allele origin: germline.

NM_006915.3(RP2):c.121A>G (p.Met41Val)

Gene: RP2 (RP2 activator of ARL3 GTPase; plus strand). Cytogenetic location: Xp11.3.
Variant type: single nucleotide variant.
Coding change: c.121A>G on transcript NM_006915.3 (MANE Select); coding-DNA position 121, A replaced by G.
Protein change: p.Met41Val; replaces methionine 41 with valine.
Molecular consequence: missense variant.
Genome position (GRCh38, 1-based): chrX:46,853,494, A>G. VCF-style: chrX-46853494-A-G. GRCh37 (hg19) VCF-style: chrX-46712929-A-G.
Other names: c.121A>G (NM_006915.2); short protein forms M41V.
Identifiers: ClinVar variation 1390311 (VCV001390311.8), dbSNP rs141869514, ClinGen allele CA10394180.
Genomic context (GRCh38, chrX:46,853,494, plus strand): 5'-ATAATGTTAATAATACTCAAGGTCTGTGTTTTGTTCCTGCAGGTTGATCCAAAAGACTAC[A>G]TGTTCAGTGGACTGAAGGATGAAACAGTAGGTCGCTTACCTGGGACGGTAGCAGGACAAC-3'
Protein context (NP_008846.2, residues 31-51): QREKVDPKDY[Met41Val]FSGLKDETVG